The following is an entry in ClinVar:

NM_001256789.3(CACNA1F):c.5763G>A (p.Thr1921=)

Gene: CACNA1F (calcium voltage-gated channel subunit alpha1 F; minus strand). Cytogenetic location: Xp11.23.
Variant type: single nucleotide variant.
Coding change: c.5763G>A on transcript NM_001256789.3 (MANE Select); coding-DNA position 5763, G replaced by A.
Protein change: p.Thr1921=; no amino-acid change (threonine 1921 retained).
Molecular consequence: synonymous variant.
Genome position (GRCh38, 1-based): chrX:49,205,275, C>T on the plus strand (G>A on the coding strand, the complement: CACNA1F is on the minus strand). VCF-style: chrX-49205275-C-T. GRCh37 (hg19) VCF-style: chrX-49061735-C-T.
Other names: c.5601G>A, p.Thr1867= (NM_001256790.3); c.5796G>A, p.Thr1932= (NM_005183.4); c.5796G>A (NM_005183.3).
Identifiers: ClinVar variation 1165152 (VCV001165152.13), dbSNP rs190606884, ClinGen allele CA10409901.

ClinVar aggregate classification (germline): Benign/Likely benign. Review status: criteria provided, multiple submitters, no conflicts (2 of 4 stars). 3 submissions from 3 submitters: Benign (1); Likely benign (1). 1 of the submissions does not count toward it. Last evaluated 2025-12-25.

Conditions:
CACNA1F-related disorder. Also called: CACNA1F-related condition.

Allele frequency attached by ClinVar (database versions not stated): gnomAD exomes 0.00004 and 0.00009; ExAC 0.00013; gnomAD 0.00027 and 0.00029; ESP Exome Variant Server 0.00028; TOPMed 0.00031; 1000 Genomes Project 30x 0.00083; 1000 Genomes Project 0.00106.

Submissions (3):

Labcorp Genetics (formerly Invitae), Labcorp
Classification: Benign. Last evaluated: 2025-12-25. Review status: criteria provided, single submitter. Criteria: Invitae Variant Classification Sherloc (09022015). Collection method: clinical testing. Allele origin: germline.

Blueprint Genetics
Classification: Likely benign. Last evaluated: 2024-06-26. Review status: criteria provided, single submitter. Criteria: ACMG Guidelines, 2015. Collection method: clinical testing. Allele origin: germline.

PreventionGenetics, part of Exact Sciences
Classification: Likely benign for CACNA1F-related condition. Last evaluated: 2019-06-06. Review status: no assertion criteria provided. Collection method: clinical testing. Allele origin: germline. Not counted in ClinVar's aggregate classification.
Comment: This variant is classified as likely benign based on ACMG/AMP sequence variant interpretation guidelines (Richards et al. 2015 PMID: 25741868, with internal and published modifications).